The following is an entry in ClinVar:

NM_001184.4(ATR):c.1516C>T (p.His506Tyr)

Gene: ATR (ATR checkpoint kinase; minus strand). Cytogenetic location: 3q23.
Variant type: single nucleotide variant.
Coding change: c.1516C>T on transcript NM_001184.4 (MANE Select); coding-DNA position 1516, C replaced by T.
Protein change: p.His506Tyr; replaces histidine 506 with tyrosine.
Molecular consequence: missense variant. On other transcripts: intron variant (1).
Genome position (GRCh38, 1-based): chr3:142,560,288, G>A on the plus strand (C>T on the coding strand, the complement: ATR is on the minus strand). VCF-style: chr3-142560288-G-A. GRCh37 (hg19) VCF-style: chr3-142279130-G-A.
Other names: c.1350-847C>T (NM_001354579.2); short protein forms H506Y.
Identifiers: ClinVar variation 4998472 (VCV004998472.1).
Genomic context (GRCh38, chr3:142,560,288, plus strand): 5'-AAACCCAACCCCAAGAAACAAGAAGTTTGTTTTACCAGTTCATGTTTTGATGAGAACAAT[G>A]AACAGTACACAGAGCAGTCAGTTGTAAGACAACAGCAATTCCTTCTAACATCTCAATAAC-3'
Protein context (NP_001175.2, residues 496-516): VLQLTALCTV[His506Tyr]CSHQNMNCRT

ClinVar aggregate classification (germline): Uncertain significance (1 of 4 stars; one submission).

Conditions:
ATR-related disorder. Also called: ATR-related condition.

Submission:

PreventionGenetics, part of Exact Sciences
Classification: Uncertain significance for ATR-related condition. Last evaluated: 2025-06-17. Review status: criteria provided, single submitter. Criteria: ACMG Guidelines, 2015. Collection method: clinical testing. Allele origin: germline.
Comment: The ATR c.1516C>T variant is predicted to result in the amino acid substitution p.His506Tyr. To our knowledge, this variant has not been reported in the literature. This variant is reported in 0.0054% of alleles in individuals of East Asian descent in gnomAD. At this time, the clinical significance of this variant is uncertain due to the absence of conclusive functional and genetic evidence.